The following is an entry in ClinVar:

ClinVar aggregate classification (germline): Uncertain significance. Review status: criteria provided, multiple submitters, no conflicts (2 of 4 stars). 2 submissions from 2 submitters: Uncertain significance (2). Last evaluated 2021-06-07.

Conditions:
Hereditary cancer-predisposing syndrome. Also called: Hereditary neoplastic syndrome; Tumor predisposition; Neoplastic Syndromes, Hereditary; Hereditary Cancer Syndrome. Identifiers: Orphanet 140162, MedGen C0027672, MeSH D009386, MONDO:0015356.
Hereditary nonpolyposis colorectal neoplasms. Identifiers: MedGen C0009405, MeSH D003123.

Submissions (2):

Ambry Genetics
Classification: Uncertain significance for Hereditary cancer-predisposing syndrome. Last evaluated: 2021-06-07. Review status: criteria provided, single submitter. Criteria: Ambry Variant Classification Scheme 2023. Collection method: clinical testing. Allele origin: germline.
Comment: The p.H715R variant (also known as c.2144A>G), located in coding exon 12 of the PMS2 gene, results from an A to G substitution at nucleotide position 2144. The histidine at codon 715 is replaced by arginine, an amino acid with highly similar properties. This amino acid position is well conserved in available vertebrate species. In addition, the in silico prediction for this alteration is inconclusive. Since supporting evidence is limited at this time, the clinical significance of this alteration remains unclear.

Labcorp Genetics (formerly Invitae), Labcorp
Classification: Uncertain significance for Hereditary nonpolyposis colorectal neoplasms. Last evaluated: 2021-03-13. Review status: criteria provided, single submitter. Criteria: Invitae Variant Classification Sherloc (09022015). Collection method: clinical testing. Allele origin: germline.
Comment: In summary, the available evidence is currently insufficient to determine the role of this variant in disease. Therefore, it has been classified as a Variant of Uncertain Significance. Advanced modeling of protein sequence and biophysical properties (such as structural, functional, and spatial information, amino acid conservation, physicochemical variation, residue mobility, and thermodynamic stability) performed at Invitae indicates that this missense variant is not expected to disrupt PMS2 protein function. This variant has not been reported in the literature in individuals with PMS2-related conditions. The frequency data for this variant in the population databases (ExAC) is considered unreliable due to the presence of homologous sequence, such as pseudogenes or paralogs, in the genome. This sequence change replaces histidine with arginine at codon 715 of the PMS2 protein (p.His715Arg). The histidine residue is weakly conserved and there is a small physicochemical difference between histidine and arginine.

NM_000535.7(PMS2):c.2144A>G (p.His715Arg)

Gene: PMS2 (PMS1 homolog 2, mismatch repair system component; minus strand). Cytogenetic location: 7p22.1.
Variant type: single nucleotide variant.
Coding change: c.2144A>G on transcript NM_000535.7 (MANE Select); coding-DNA position 2144, A replaced by G.
Protein change: p.His715Arg; replaces histidine 715 with arginine.
Molecular consequence: missense variant. On other transcripts: non-coding transcript variant (1).
Genome position (GRCh38, 1-based): chr7:5,982,854, T>C on the plus strand (A>G on the coding strand, the complement: PMS2 is on the minus strand). VCF-style: chr7-5982854-T-C. GRCh37 (hg19) VCF-style: chr7-6022485-T-C.
Other names: c.1739A>G, p.His580Arg (NM_001322003.2, NM_001322004.2, NM_001322005.2 and 1 more transcripts); c.1988A>G, p.His663Arg (NM_001322006.2); c.1826A>G, p.His609Arg (NM_001322007.2, NM_001322008.2); c.1583A>G, p.His528Arg (NM_001322010.2); c.1211A>G, p.His404Arg (NM_001322011.2, NM_001322012.2); c.1571A>G, p.His524Arg (NM_001322013.2); c.2144A>G, p.His715Arg (NM_001322014.2); c.1835A>G, p.His612Arg (NM_001322015.2); short protein forms H612R, H528R, H715R, H524R, H580R, H663R, H404R, H609R.
Identifiers: ClinVar variation 1350139 (VCV001350139.10), dbSNP rs773913260, ClinGen allele CA366737896.